The following is an entry in ClinVar:

ClinVar aggregate classification (germline): Uncertain significance (1 of 4 stars; one submission).

Submission:

Labcorp Genetics (formerly Invitae), Labcorp
Classification: Uncertain significance. Last evaluated: 2019-05-08. Review status: criteria provided, single submitter. Criteria: Invitae Variant Classification Sherloc (09022015). Collection method: clinical testing. Allele origin: germline.
Comment: This sequence change replaces serine with asparagine at codon 443 of the KIAA2022 protein (p.Ser443Asn). The serine residue is highly conserved and there is a small physicochemical difference between serine and asparagine. This variant is not present in population databases (ExAC no frequency). This variant has not been reported in the literature in individuals with KIAA2022-related disease. Algorithms developed to predict the effect of missense changes on protein structure and function output the following: SIFT: "Tolerated"; PolyPhen-2: "Benign"; Align-GVGD: "Class C0". The asparagine amino acid residue is found in multiple mammalian species, suggesting that this missense change does not adversely affect protein function. These predictions have not been confirmed by published functional studies and their clinical significance is uncertain. In summary, the available evidence is currently insufficient to determine the role of this variant in disease. Therefore, it has been classified as a Variant of Uncertain Significance.

NM_001008537.3(NEXMIF):c.1328G>A (p.Ser443Asn)

Gene: NEXMIF (neurite extension and migration factor; minus strand). Cytogenetic location: Xq13.3.
Variant type: single nucleotide variant.
Coding change: c.1328G>A on transcript NM_001008537.3 (MANE Select); coding-DNA position 1328, G replaced by A.
Protein change: p.Ser443Asn; replaces serine 443 with asparagine.
Molecular consequence: missense variant.
Genome position (GRCh38, 1-based): chrX:74,743,229, C>T on the plus strand (G>A on the coding strand, the complement: NEXMIF is on the minus strand). VCF-style: chrX-74743229-C-T. GRCh37 (hg19) VCF-style: chrX-73963064-C-T.
Other names: short protein forms S443N.
Identifiers: ClinVar variation 569424 (VCV000569424.10), dbSNP rs1569335728, ClinGen allele CA413670759.